The following is an entry in ClinVar:

NM_006939.4(SOS2):c.586G>C (p.Glu196Gln)

Gene: SOS2 (SOS Ras/Rho guanine nucleotide exchange factor 2; minus strand). Cytogenetic location: 14q21.3.
Variant type: single nucleotide variant.
Coding change: c.586G>C on transcript NM_006939.4 (MANE Select); coding-DNA position 586, G replaced by C.
Protein change: p.Glu196Gln; replaces glutamic acid 196 with glutamine.
Molecular consequence: missense variant.
Genome position (GRCh38, 1-based): chr14:50,188,625, C>G on the plus strand (G>C on the coding strand, the complement: SOS2 is on the minus strand). VCF-style: chr14-50188625-C-G. GRCh37 (hg19) VCF-style: chr14-50655343-C-G.
Other names: c.586G>C, p.Glu196Gln (NM_001411020.1); short protein forms E196Q.
Identifiers: ClinVar variation 2199254 (VCV002199254.4), dbSNP rs1377459551, ClinGen allele CA389648211.

ClinVar aggregate classification (germline): Uncertain significance (1 of 4 stars; one submission).

Conditions:
Noonan syndrome 9 (NS9). Identifiers: Orphanet 648, MedGen C4225282, MONDO:0014691, OMIM 616559.

Allele frequency attached by ClinVar (database versions not stated): gnomAD 0.00001; TOPMed 0.00001.
gnomAD v4.1: 6 of 1,610,246 alleles (0.00037%); highest among the groups gnomAD compares: Non-Finnish European, 0.00051%; no homozygotes.

Submission:

Labcorp Genetics (formerly Invitae), Labcorp
Classification: Uncertain significance for Noonan syndrome 9. Last evaluated: 2025-05-13. Review status: criteria provided, single submitter. Criteria: Invitae Variant Classification Sherloc (09022015). Collection method: clinical testing. Allele origin: germline.
Comment: This sequence change replaces glutamic acid, which is acidic and polar, with glutamine, which is neutral and polar, at codon 196 of the SOS2 protein (p.Glu196Gln). This variant is not present in population databases (gnomAD no frequency). This variant has not been reported in the literature in individuals affected with SOS2-related conditions. ClinVar contains an entry for this variant (Variation ID: 2199254). Invitae Evidence Modeling of protein sequence and biophysical properties (such as structural, functional, and spatial information, amino acid conservation, physicochemical variation, residue mobility, and thermodynamic stability) indicates that this missense variant is not expected to disrupt SOS2 protein function with a negative predictive value of 95%. In summary, the available evidence is currently insufficient to determine the role of this variant in disease. Therefore, it has been classified as a Variant of Uncertain Significance.